The following is an entry in ClinVar:

NM_002691.4(POLD1):c.8G>A (p.Gly3Asp)

Gene: POLD1 (DNA polymerase delta 1, catalytic subunit; plus strand). Cytogenetic location: 19q13.33.
Variant type: single nucleotide variant.
Coding change: c.8G>A on transcript NM_002691.4 (MANE Select); coding-DNA position 8, G replaced by A.
Protein change: p.Gly3Asp; replaces glycine 3 with aspartic acid.
Molecular consequence: missense variant. On other transcripts: non-coding transcript variant (1).
Genome position (GRCh38, 1-based): chr19:50,398,859, G>A. VCF-style: chr19-50398859-G-A. GRCh37 (hg19) VCF-style: chr19-50902116-G-A.
Other names: c.8G>A, p.Gly3Asp (NM_001256849.1, NM_001308632.1); short protein forms G3D.
Identifiers: ClinVar variation 863206 (VCV000863206.9), dbSNP rs2038467920, ClinGen allele CA406969968.

ClinVar aggregate classification (germline): Uncertain significance (1 of 4 stars; one submission).

Conditions:
POLD1-related polyposis and colorectal cancer syndrome (CRCS10). Also called: Colorectal cancer 10; COLORECTAL CANCER, SUSCEPTIBILITY TO, ON CHROMOSOME 19q; Colorectal cancer, susceptibility to, 10. Identifiers: Orphanet 220460, MedGen C2675481, MONDO:0012953, OMIM 612591.

Submission:

Labcorp Genetics (formerly Invitae), Labcorp
Classification: Uncertain significance for POLD1-related polyposis and colorectal cancer syndrome. Last evaluated: 2019-12-03. Review status: criteria provided, single submitter. Criteria: Invitae Variant Classification Sherloc (09022015). Collection method: clinical testing. Allele origin: germline.
Comment: In summary, the available evidence is currently insufficient to determine the role of this variant in disease. Therefore, it has been classified as a Variant of Uncertain Significance. Algorithms developed to predict the effect of missense changes on protein structure and function output the following: SIFT: "Tolerated"; PolyPhen-2: "Benign"; Align-GVGD: "Class C0". The aspartic acid amino acid residue is found in multiple mammalian species, suggesting that this missense change does not adversely affect protein function. These predictions have not been confirmed by published functional studies and their clinical significance is uncertain. This variant has not been reported in the literature in individuals with POLD1-related conditions. This variant is not present in population databases (ExAC no frequency). This sequence change replaces glycine with aspartic acid at codon 3 of the POLD1 protein (p.Gly3Asp). The glycine residue is weakly conserved and there is a moderate physicochemical difference between glycine and aspartic acid.